The following is an entry in ClinVar:

ClinVar aggregate classification (germline): Uncertain significance (1 of 4 stars; one submission).

Conditions:
Muscular dystrophy-dystroglycanopathy type B6 (MDDGB6). Also called: MUSCULAR DYSTROPHY, CONGENITAL, LARGE-RELATED; MUSCULAR DYSTROPHY, CONGENITAL, TYPE 1D; MUSCULAR DYSTROPHY-DYSTROGLYCANOPATHY (CONGENITAL WITH IMPAIRED INTELLECTUAL DEVELOPMENT), TYPE B, 6. Identifiers: MedGen C1837229, MONDO:0012138, OMIM 608840.

Allele frequency attached by ClinVar (database versions not stated): gnomAD 0.00001.
gnomAD v4.1: 5 of 1,612,950 alleles (0.00031%); highest among the groups gnomAD compares: Admixed American, 0.0033%; no homozygotes.

Submission:

Labcorp Genetics (formerly Invitae), Labcorp
Classification: Uncertain significance for Muscular dystrophy-dystroglycanopathy type B6. Last evaluated: 2025-05-19. Review status: criteria provided, single submitter. Criteria: Invitae Variant Classification Sherloc (09022015). Collection method: clinical testing. Allele origin: germline.
Comment: This sequence change replaces arginine, which is basic and polar, with glycine, which is neutral and non-polar, at codon 89 of the LARGE1 protein (p.Arg89Gly). This variant is present in population databases (no rsID available, gnomAD 0.003%). This variant has not been reported in the literature in individuals affected with LARGE1-related conditions. ClinVar contains an entry for this variant (Variation ID: 1052908). An algorithm developed to predict the effect of missense changes on protein structure and function (PolyPhen-2) suggests that this variant is likely to be tolerated. In summary, the available evidence is currently insufficient to determine the role of this variant in disease. Therefore, it has been classified as a Variant of Uncertain Significance.

NM_133642.5(LARGE1):c.265C>G (p.Arg89Gly)

Gene: LARGE1 (LARGE xylosyl- and glucuronyltransferase 1; minus strand). Cytogenetic location: 22q12.3.
Variant type: single nucleotide variant.
Coding change: c.265C>G on transcript NM_133642.5 (MANE Select); coding-DNA position 265, C replaced by G.
Protein change: p.Arg89Gly; replaces arginine 89 with glycine.
Molecular consequence: missense variant.
Genome position (GRCh38, 1-based): chr22:33,650,510, G>C on the plus strand (C>G on the coding strand, the complement: LARGE1 is on the minus strand). VCF-style: chr22-33650510-G-C. GRCh37 (hg19) VCF-style: chr22-34046496-G-C.
Other names: c.265C>G, p.Arg89Gly (NM_001362949.2, NM_001362951.2, NM_001362953.2 and 7 more transcripts); short protein forms R89G.
Identifiers: ClinVar variation 1052908 (VCV001052908.12), dbSNP rs1359437833, ClinGen allele CA411546299.
Genomic context (GRCh38, chr22:33,650,510, plus strand): 5'-CAGTGCCCTCCTCCATGGAGTAGGTCTTGGAGTGGTTGCCTCGGCGATGGGATGGGGCTC[G>C]GCCCTGGGCCAGGCTGAGCTGCCTGCGGAGGGCGCGGTTCTCCTCCTCCACCTCGCGCAT-3'
Protein context (NP_598397.1, residues 79-99): LRRQLSLAQG[Arg89Gly]APSHRRGNHS